The following is an entry in ClinVar:

NM_182961.4(SYNE1):c.2830C>T (p.Arg944Trp)

Gene: SYNE1 (spectrin repeat containing nuclear envelope protein 1; minus strand). Cytogenetic location: 6q25.2.
Variant type: single nucleotide variant.
Coding change: c.2830C>T on transcript NM_182961.4 (MANE Select); coding-DNA position 2830, C replaced by T.
Protein change: p.Arg944Trp; replaces arginine 944 with tryptophan.
Molecular consequence: missense variant.
Genome position (GRCh38, 1-based): chr6:152,455,488, G>A on the plus strand (C>T on the coding strand, the complement: SYNE1 is on the minus strand). VCF-style: chr6-152455488-G-A. GRCh37 (hg19) VCF-style: chr6-152776623-G-A.
Other names: c.2851C>T, p.Arg951Trp (NM_033071.5); short protein forms R944W, R951W.
Identifiers: ClinVar variation 2154136 (VCV002154136.7), dbSNP rs758573837, ClinGen allele CA4059021.
Genomic context (GRCh38, chr6:152,455,488, plus strand): 5'-TGTGTCTCCGCAGGAGCTCCTCTGGATCCCCCTTTTCCTCCAGGCCCTCCTGAGCAATCC[G>A]CAGTACCTTCTCCAACTCTGCTCGAGACTCCTCAAACTTCTTCATCAAGCGACTGTTGGT-3'
Protein context (NP_892006.3, residues 934-954): ESRAELEKVL[Arg944Trp]IAQEGLEEKG

ClinVar aggregate classification (germline): Uncertain significance. Review status: criteria provided, multiple submitters, no conflicts (2 of 4 stars). 3 submissions from 3 submitters: Uncertain significance (3). Last evaluated 2025-06-11.

Conditions:
Autosomal recessive ataxia, Beauce type. Also called: ATAXIA, RECESSIVE, OF BEAUCE; SYNE1-Related Autosomal Recessive Cerebellar Ataxia; Spinocerebellar ataxia, autosomal recessive 8; SYNE1 Deficiency. Identifiers: Orphanet 88644, MedGen C1853116, MONDO:0012549, OMIM 610743.
Emery-Dreifuss muscular dystrophy 4, autosomal dominant (EDMD4). Also called: EMERY-DREIFUSS MUSCULAR DYSTROPHY 4 WITH VARIABLE FEATURES. Identifiers: Orphanet 261, MedGen C2751807, MONDO:0013071, OMIM 612998.

Allele frequency attached by ClinVar (database versions not stated): ExAC 0.00001.
gnomAD v4.1: 17 of 1,613,950 alleles (0.0011%); highest among the groups gnomAD compares: East Asian, 0.0022%; no homozygotes.

Submissions (3):

GeneDx
Classification: Uncertain significance. Last evaluated: 2025-06-11. Review status: criteria provided, single submitter. Criteria: GeneDx Variant Classification Process June 2021. Collection method: clinical testing. Allele origin: germline.
Comment: Not observed at significant frequency in large population cohorts (gnomAD); In silico analysis supports that this missense variant has a deleterious effect on protein structure/function; Has not been previously published as pathogenic or benign to our knowledge; In silico analysis suggests this variant may impact gene splicing. In the absence of RNA/functional studies, the actual effect of this sequence change is unknown.

3billion
Classification: Uncertain significance for Autosomal recessive ataxia, Beauce type. Last evaluated: 2025-01-24. Review status: criteria provided, single submitter. Criteria: ACMG Guidelines, 2015. Collection method: clinical testing. Allele origin: germline. Affected: yes.
Comment: The variant is observed at an extremely low frequency in the gnomAD v4.1.0 dataset (total allele frequency: 0.001%). Predicted Consequence/Location: Missense variant. The majority of the known disease-causing variants of this gene are variants expected to result in premature termination of the protein. In silico tools predict the variant to alter splicing and produce an abnormal transcript [SpliceAI: 0.28 (>=0.2, moderate evidence for spliceogenicity)]. The variant has been reported as of uncertain significance (ClinVar ID: VCV002154136). Different missense changes at the same codon have been reported as of uncertain significance (ClinVar ID: VCV001807206). Therefore, this variant is classified as VUS according to the recommendation of ACMG/AMP guideline.

Labcorp Genetics (formerly Invitae), Labcorp
Classification: Uncertain significance for Emery-Dreifuss muscular dystrophy 4, autosomal dominant; Autosomal recessive ataxia, Beauce type. Last evaluated: 2022-07-03. Review status: criteria provided, single submitter. Criteria: Invitae Variant Classification Sherloc (09022015). Collection method: clinical testing. Allele origin: germline.
Comment: This variant has not been reported in the literature in individuals affected with SYNE1-related conditions. This variant is present in population databases (rs758573837, gnomAD 0.003%). This sequence change replaces arginine, which is basic and polar, with tryptophan, which is neutral and slightly polar, at codon 951 of the SYNE1 protein (p.Arg951Trp). Algorithms developed to predict the effect of missense changes on protein structure and function are either unavailable or do not agree on the potential impact of this missense change (SIFT: "Deleterious"; PolyPhen-2: "Benign"; Align-GVGD: "Class C0"). In summary, the available evidence is currently insufficient to determine the role of this variant in disease. Therefore, it has been classified as a Variant of Uncertain Significance. Algorithms developed to predict the effect of sequence changes on RNA splicing suggest that this variant may create or strengthen a splice site.